The following is an entry in ClinVar:

ClinVar aggregate classification (germline): Likely benign. Review status: criteria provided, multiple submitters, no conflicts (2 of 4 stars). 7 submissions from 6 submitters: Likely benign (6). 1 of the submissions does not count toward it. Last evaluated 2026-08-01.

Conditions:
Adams-Oliver syndrome 5 (AOS5). Identifiers: Orphanet 974, MedGen C4014970, MONDO:0014459, OMIM 616028.
Familial thoracic aortic aneurysm and aortic dissection (TAAD). Also called: Thoracic aortic aneurysms and dissections. Identifiers: Orphanet 91387, MedGen C4707243, MONDO:0019625.
NOTCH1-related disorder. Also called: NOTCH1-related condition; NOTCH1-related disorders.
Aortic valve disease 1 (AOVD1). Identifiers: MedGen C3887892, MONDO:0024523, OMIM 109730.

Allele frequency attached by ClinVar (database versions not stated): gnomAD exomes 0.00002; ExAC 0.00003; gnomAD 0.00004; TOPMed 0.00004.
gnomAD v4.1: 69 of 1,584,298 alleles (0.0044%); highest among the groups gnomAD compares: Non-Finnish European, 0.0052%; no homozygotes.

Submissions (7):

CeGaT Center for Human Genetics Tuebingen
Classification: Likely benign. Last evaluated: 2026-08-01. Review status: criteria provided, single submitter. Criteria: CeGaT Center For Human Genetics Tuebingen Variant Classification Criteria Version 2. Collection method: clinical testing. Allele origin: germline. Affected: yes. Observed: 1 variant allele.
Comment: NOTCH1: BP4, BP7

Labcorp Genetics (formerly Invitae), Labcorp
Classification: Likely benign for Adams-Oliver syndrome 5. Last evaluated: 2025-08-13. Review status: criteria provided, single submitter. Criteria: Invitae Variant Classification Sherloc (09022015). Collection method: clinical testing. Allele origin: germline.

Ambry Genetics
Classification: Likely benign for Familial thoracic aortic aneurysm and aortic dissection. Last evaluated: 2024-05-22. Review status: criteria provided, single submitter. Criteria: Ambry Variant Classification Scheme 2023. Collection method: clinical testing. Allele origin: germline.

Genome-Nilou Lab
Classification: Likely benign for Adams-Oliver syndrome 5. Last evaluated: 2022-03-15. Review status: criteria provided, single submitter. Criteria: ACMG Guidelines, 2015. Collection method: clinical testing. Allele origin: germline. Affected: no.

Genome-Nilou Lab
Classification: Likely benign for Aortic valve disease 1. Last evaluated: 2022-03-15. Review status: criteria provided, single submitter. Criteria: ACMG Guidelines, 2015. Collection method: clinical testing. Allele origin: germline. Affected: no.

GeneDx
Classification: Likely benign. Last evaluated: 2021-01-26. Review status: criteria provided, single submitter. Criteria: GeneDx Variant Classification Process June 2021. Collection method: clinical testing. Allele origin: germline. Affected: yes.

PreventionGenetics, part of Exact Sciences
Classification: Likely benign for NOTCH1-related condition. Last evaluated: 2022-09-19. Review status: no assertion criteria provided. Collection method: clinical testing. Allele origin: germline. Not counted in ClinVar's aggregate classification.
Comment: This variant is classified as likely benign based on ACMG/AMP sequence variant interpretation guidelines (Richards et al. 2015 PMID: 25741868, with internal and published modifications).

NM_017617.5(NOTCH1):c.4800G>A (p.Leu1600=)

Gene: NOTCH1 (notch receptor 1; minus strand). Cytogenetic location: 9q34.3.
Variant type: single nucleotide variant.
Coding change: c.4800G>A on transcript NM_017617.5 (MANE Select); coding-DNA position 4800, G replaced by A.
Protein change: p.Leu1600=; no amino-acid change (leucine 1600 retained).
Molecular consequence: synonymous variant.
Genome position (GRCh38, 1-based): chr9:136,504,891, C>T on the plus strand (G>A on the coding strand, the complement: NOTCH1 is on the minus strand). VCF-style: chr9-136504891-C-T. GRCh37 (hg19) VCF-style: chr9-139399343-C-T.
Other names: c.4800G>A (NM_017617.4).
Identifiers: ClinVar variation 1110225 (VCV001110225.15), dbSNP rs761609069, ClinGen allele CA5340513.